The following is an entry in ClinVar:

ClinVar aggregate classification (germline): Uncertain significance. Review status: criteria provided, multiple submitters, no conflicts (2 of 4 stars). 3 submissions from 3 submitters: Uncertain significance (3). Last evaluated 2024-01-22.

Conditions:
Hajdu-Cheney syndrome (HJCYS). Also called: SERPENTINE FIBULA-POLYCYSTIC KIDNEY SYNDROME; ACROOSTEOLYSIS WITH OSTEOPOROSIS AND CHANGES IN SKULL AND MANDIBLE; Acroosteolysis dominant type. Identifiers: Orphanet 955, MedGen C0917715, MONDO:0007057, OMIM 102500.
Alagille syndrome due to a NOTCH2 point mutation. Also called: Alagille syndrome 2. Identifiers: Orphanet 261629, Orphanet 52, MedGen C1857761, MONDO:0012439, OMIM 610205.

Allele frequency attached by ClinVar (database versions not stated): gnomAD exomes below 0.00001 and 0.00001; TOPMed 0.00001; ExAC 0.00001.
gnomAD v4.1: 3 of 1,614,144 alleles (0.00019%); highest among the groups gnomAD compares: Admixed American, 0.005%; no homozygotes.

Submissions (3):

Women's Health and Genetics/Laboratory Corporation of America, LabCorp
Classification: Uncertain significance. Last evaluated: 2024-01-22. Review status: criteria provided, single submitter. Criteria: LabCorp Variant Classification Summary - May 2015. Collection method: clinical testing. Allele origin: germline.
Comment: Variant summary: NOTCH2 c.2677G>A (p.Gly893Ser) results in a non-conservative amino acid change located in the EGF-like domain (IPR000742) of the encoded protein sequence. Five of five in-silico tools predict a damaging effect of the variant on protein function. The variant allele was found at a frequency of 4e-06 in 251424 control chromosomes (gnomAD). The available data on variant occurrences in the general population are insufficient to allow any conclusion about variant significance. To our knowledge, no occurrence of c.2677G>A in individuals affected with Hajdu-Cheney Syndrome and no experimental evidence demonstrating its impact on protein function have been reported. ClinVar contains an entry for this variant (Variation ID: 595624). Based on the evidence outlined above, the variant was classified as uncertain significance.

Fulgent Genetics
Classification: Uncertain significance for Hajdu-Cheney syndrome; Alagille syndrome due to a NOTCH2 point mutation. Last evaluated: 2021-09-03. Review status: criteria provided, single submitter. Criteria: ACMG Guidelines, 2015. Collection method: clinical testing. Allele origin: unknown.

Eurofins Ntd Llc (ga)
Classification: Uncertain significance. Last evaluated: 2017-12-28. Review status: criteria provided, single submitter. Criteria: EGL Classification Definitions 2015. Collection method: clinical testing. Allele origin: germline. Observed: 1 variant allele, 1 heterozygote.

NM_024408.4(NOTCH2):c.2677G>A (p.Gly893Ser)

Gene: NOTCH2 (notch receptor 2; minus strand). Cytogenetic location: 1p12.
Variant type: single nucleotide variant.
Coding change: c.2677G>A on transcript NM_024408.4 (MANE Select); coding-DNA position 2677, G replaced by A.
Protein change: p.Gly893Ser; replaces glycine 893 with serine.
Molecular consequence: missense variant.
Genome position (GRCh38, 1-based): chr1:119,948,489, C>T on the plus strand (G>A on the coding strand, the complement: NOTCH2 is on the minus strand). VCF-style: chr1-119948489-C-T. GRCh37 (hg19) VCF-style: chr1-120491112-C-T.
Other names: c.2677G>A, p.Gly893Ser (NM_001200001.2); short protein forms G893S.
Identifiers: ClinVar variation 595624 (VCV000595624.7), dbSNP rs782108690, ClinGen allele CA1040224.
Genomic context (GRCh38, chr1:119,948,489, plus strand): 5'-CAATGTCCTCCTCACAGTCCATACCACTGAAGCCTGGTGGACATTCACACATGTAGCTGC[C>T]CTGGGTGTTATGGCAGAGACCATGGTTCATGCAGGGCTTGGAGATACACTCGTCAATGTC-3'
Protein context (NP_077719.2, residues 883-903): MNHGLCHNTQ[Gly893Ser]SYMCECPPGF